The following is an entry in ClinVar:

NM_000334.4(SCN4A):c.4387C>T (p.Arg1463Cys)

Genes: GH-LCR (growth hormone locus control region; plus strand), SCN4A (sodium voltage-gated channel alpha subunit 4; minus strand). Cytogenetic location: 17q23.3.
Variant type: single nucleotide variant.
Coding change: c.4387C>T on transcript NM_000334.4 (MANE Select); coding-DNA position 4387, C replaced by T.
Protein change: p.Arg1463Cys; replaces arginine 1463 with cysteine.
Molecular consequence: missense variant.
Genome position (GRCh38, 1-based): chr17:63,941,895, G>A on the plus strand (C>T on the coding strand, the complement: SCN4A is on the minus strand). VCF-style: chr17-63941895-G-A. GRCh37 (hg19) VCF-style: chr17-62019255-G-A.
Other names: short protein forms R1463C.
Identifiers: ClinVar variation 1936362 (VCV001936362.5), dbSNP rs774453167, ClinGen allele CA8708977.
Genomic context (GRCh38, chr17:63,941,895, plus strand): 5'-AGAGGGCAGGCAGCGACATCATGAGGGCGAACAGCAGCGTCCGGATGCCCTTGGCCCCGC[G>A]GATCAGCCGCAGGACACGCCCAATCCGCGCCAGGCGGATCACACGGAACAGCGTGGGTGA-3'
Protein context (NP_000325.4, residues 1453-1473): ARIGRVLRLI[Arg1463Cys]GAKGIRTLLF

ClinVar aggregate classification (germline): Uncertain significance (1 of 4 stars; one submission).

Conditions:
Hyperkalemic periodic paralysis. Also called: Familial hyperkalemic periodic paralysis; Gamstorp disease. Identifiers: Orphanet 682, MedGen C0238357, MONDO:0008224, OMIM 170500, HP:0007215.

gnomAD v4.1: 8 of 1,613,266 alleles (0.0005%); highest among the groups gnomAD compares: Admixed American, 0.0017%; no homozygotes.

Submission:

Labcorp Genetics (formerly Invitae), Labcorp
Classification: Uncertain significance for Hyperkalemic periodic paralysis. Last evaluated: 2022-09-24. Review status: criteria provided, single submitter. Criteria: Invitae Variant Classification Sherloc (09022015). Collection method: clinical testing. Allele origin: germline.
Comment: This variant disrupts the p.Arg1463 amino acid residue in SCN4A. Other variant(s) that disrupt this residue have been determined to be pathogenic (PMID: 29606556, 33670307; Invitae). This suggests that this residue is clinically significant, and that variants that disrupt this residue are likely to be disease-causing. This sequence change replaces arginine, which is basic and polar, with cysteine, which is neutral and slightly polar, at codon 1463 of the SCN4A protein (p.Arg1463Cys). This variant is present in population databases (rs774453167, gnomAD 0.003%). This variant has not been reported in the literature in individuals affected with SCN4A-related conditions. Advanced modeling of protein sequence and biophysical properties (such as structural, functional, and spatial information, amino acid conservation, physicochemical variation, residue mobility, and thermodynamic stability) performed at Invitae indicates that this missense variant is expected to disrupt SCN4A protein function. In summary, the available evidence is currently insufficient to determine the role of this variant in disease. Therefore, it has been classified as a Variant of Uncertain Significance.

Literature cited by the submitters: PubMed 29606556; PubMed 33670307.